The following is an entry in ClinVar:

ClinVar aggregate classification (germline): Uncertain significance. Review status: criteria provided, multiple submitters, no conflicts (2 of 4 stars). 2 submissions from 2 submitters: Uncertain significance (2). Last evaluated 2024-07-01.

Conditions:
Infantile-onset X-linked spinal muscular atrophy. Also called: AMC, DISTAL, X-LINKED; ARTHROGRYPOSIS, X-LINKED, TYPE I; SPINAL MUSCULAR ATROPHY, X-LINKED LETHAL INFANTILE; Spinal Muscular Atrophy, X-Linked Infantile; Spinal muscular atrophy, X-linked 2. Identifiers: Orphanet 1145, MedGen C1844934, MONDO:0010532, OMIM 301830.
Inborn genetic diseases. Identifiers: MedGen C0950123, MeSH D030342.

Allele frequency attached by ClinVar (database versions not stated): gnomAD exomes below 0.00001; TOPMed below 0.00001; gnomAD 0.00001.

Submissions (2):

Labcorp Genetics (formerly Invitae), Labcorp
Classification: Uncertain significance for Infantile-onset X-linked spinal muscular atrophy. Last evaluated: 2024-07-01. Review status: criteria provided, single submitter. Criteria: Invitae Variant Classification Sherloc (09022015). Collection method: clinical testing. Allele origin: germline.
Comment: This sequence change replaces isoleucine, which is neutral and non-polar, with valine, which is neutral and non-polar, at codon 123 of the UBA1 protein (p.Ile123Val). This variant is present in population databases (no rsID available, gnomAD 0.005%), including at least one homozygous and/or hemizygous individual. This variant has not been reported in the literature in individuals affected with UBA1-related conditions. ClinVar contains an entry for this variant (Variation ID: 1733857). Algorithms developed to predict the effect of missense changes on protein structure and function output the following: SIFT: "Not Available"; PolyPhen-2: "Benign"; Align-GVGD: "Not Available". The valine amino acid residue is found in multiple mammalian species, which suggests that this missense change does not adversely affect protein function. In summary, the available evidence is currently insufficient to determine the role of this variant in disease. Therefore, it has been classified as a Variant of Uncertain Significance.

Ambry Genetics
Classification: Uncertain significance for Inborn genetic diseases. Last evaluated: 2022-06-27. Review status: criteria provided, single submitter. Criteria: Ambry Variant Classification Scheme 2023. Collection method: clinical testing. Allele origin: germline.
Comment: The p.I123V variant (also known as c.367A>G), located in coding exon 4 of the UBA1 gene, results from an A to G substitution at nucleotide position 367. The isoleucine at codon 123 is replaced by valine, an amino acid with highly similar properties. This amino acid position is conserved. In addition, this alteration is predicted to be tolerated by in silico analysis. Since supporting evidence is limited at this time, the clinical significance of this alteration remains unclear.

NM_003334.4(UBA1):c.367A>G (p.Ile123Val)

Gene: UBA1 (ubiquitin like modifier activating enzyme 1; plus strand). Cytogenetic location: Xp11.3.
Variant type: single nucleotide variant.
Coding change: c.367A>G on transcript NM_003334.4 (MANE Select); coding-DNA position 367, A replaced by G.
Protein change: p.Ile123Val; replaces isoleucine 123 with valine.
Molecular consequence: missense variant.
Genome position (GRCh38, 1-based): chrX:47,199,501, A>G. VCF-style: chrX-47199501-A-G. GRCh37 (hg19) VCF-style: chrX-47058900-A-G.
Other names: c.367A>G, p.Ile123Val (NM_153280.3); short protein forms I123V.
Identifiers: ClinVar variation 1733857 (VCV001733857.5), dbSNP rs1257067835, ClinGen allele CA412788759.